The following is an entry in ClinVar:

NM_007118.4(TRIO):c.6998C>T (p.Thr2333Met)

Gene: TRIO (trio Rho guanine nucleotide exchange factor; plus strand). Cytogenetic location: 5p15.2.
Variant type: single nucleotide variant.
Coding change: c.6998C>T on transcript NM_007118.4 (MANE Select); coding-DNA position 6998, C replaced by T.
Protein change: p.Thr2333Met; replaces threonine 2333 with methionine.
Molecular consequence: missense variant. On other transcripts: non-coding transcript variant (1).
Genome position (GRCh38, 1-based): chr5:14,487,626, C>T. VCF-style: chr5-14487626-C-T. GRCh37 (hg19) VCF-style: chr5-14487735-C-T.
Other names: short protein forms T2333M.
Identifiers: ClinVar variation 2655342 (VCV002655342.24), dbSNP rs767873945, ClinGen allele CA359236603.

ClinVar aggregate classification (germline): Uncertain significance (1 of 4 stars; one submission).

gnomAD v4.1: 49 of 1,214,674 alleles (0.004%); highest among the groups gnomAD compares: Non-Finnish European, 0.005%; no homozygotes.

Submission:

CeGaT Center for Human Genetics Tuebingen
Classification: Uncertain significance. Last evaluated: 2023-02-01. Review status: criteria provided, single submitter. Criteria: CeGaT Center For Human Genetics Tuebingen Variant Classification Criteria Version 2. Collection method: clinical testing. Allele origin: germline. Affected: yes. Observed: 1 variant allele.
Comment: TRIO: PM2